The following is an entry in ClinVar:

ClinVar aggregate classification (germline): Uncertain significance. Review status: criteria provided, multiple submitters, no conflicts (2 of 4 stars). 2 submissions from 2 submitters: Uncertain significance (2). Last evaluated 2022-11-02.

Conditions:
Erythrocytosis, familial, 3 (ECYT3). Identifiers: Orphanet 247511, MedGen C1853286, MONDO:0012353, OMIM 609820.

Allele frequency attached by ClinVar (database versions not stated): gnomAD exomes below 0.00001; ExAC 0.00004.
gnomAD v4.1: 2 of 1,609,586 alleles (0.00012%); highest among the groups gnomAD compares: South Asian, 0.0011%; no homozygotes.

Submissions (2):

Labcorp Genetics (formerly Invitae), Labcorp
Classification: Uncertain significance for Erythrocytosis, familial, 3. Last evaluated: 2022-11-02. Review status: criteria provided, single submitter. Criteria: Invitae Variant Classification Sherloc (09022015). Collection method: clinical testing. Allele origin: germline.
Comment: In summary, the available evidence is currently insufficient to determine the role of this variant in disease. Therefore, it has been classified as a Variant of Uncertain Significance. Algorithms developed to predict the effect of missense changes on protein structure and function are either unavailable or do not agree on the potential impact of this missense change (SIFT: "Deleterious"; PolyPhen-2: "Benign"; Align-GVGD: "Class C15"). This variant has not been reported in the literature in individuals affected with EGLN1-related conditions. The frequency data for this variant in the population databases is considered unreliable, as metrics indicate poor data quality at this position in the gnomAD database. This sequence change replaces arginine, which is basic and polar, with tryptophan, which is neutral and slightly polar, at codon 180 of the EGLN1 protein (p.Arg180Trp).

Ambry Genetics
Classification: Uncertain significance. Last evaluated: 2021-11-06. Review status: criteria provided, single submitter. Criteria: Ambry Variant Classification Scheme 2023. Collection method: clinical testing. Allele origin: germline.
Comment: The p.R180W variant (also known as c.538C>T), located in coding exon 1 of the EGLN1 gene, results from a C to T substitution at nucleotide position 538. The arginine at codon 180 is replaced by tryptophan, an amino acid with dissimilar properties. This amino acid position is conserved. In addition, the in silico prediction for this alteration is inconclusive. Since supporting evidence is limited at this time, the clinical significance of this alteration remains unclear.

NM_022051.3(EGLN1):c.538C>T (p.Arg180Trp)

Gene: EGLN1 (egl-9 family hypoxia inducible factor 1; minus strand). Cytogenetic location: 1q42.2.
Variant type: single nucleotide variant.
Coding change: c.538C>T on transcript NM_022051.3 (MANE Select); coding-DNA position 538, C replaced by T.
Protein change: p.Arg180Trp; replaces arginine 180 with tryptophan.
Molecular consequence: missense variant.
Genome position (GRCh38, 1-based): chr1:231,421,351, G>A on the plus strand (C>T on the coding strand, the complement: EGLN1 is on the minus strand). VCF-style: chr1-231421351-G-A. GRCh37 (hg19) VCF-style: chr1-231557097-G-A.
Other names: c.538C>T, p.Arg180Trp (NM_001377260.1, NM_001377261.1); short protein forms R180W.
Identifiers: ClinVar variation 1747212 (VCV001747212.5), dbSNP rs762452073, ClinGen allele CA1453152.